The following is an entry in ClinVar:

NM_031885.5(BBS2):c.1185C>T (p.Thr395=)

Gene: BBS2 (Bardet-Biedl syndrome 2; minus strand). Cytogenetic location: 16q13.
Variant type: single nucleotide variant.
Coding change: c.1185C>T on transcript NM_031885.5 (MANE Select); coding-DNA position 1185, C replaced by T.
Protein change: p.Thr395=; no amino-acid change (threonine 395 retained).
Molecular consequence: synonymous variant. On other transcripts: non-coding transcript variant (5).
Genome position (GRCh38, 1-based): chr16:56,501,393, G>A on the plus strand (C>T on the coding strand, the complement: BBS2 is on the minus strand). VCF-style: chr16-56501393-G-A. GRCh37 (hg19) VCF-style: chr16-56535305-G-A.
Other names: c.1185C>T, p.Thr395= (NM_001377456.1).
Identifiers: ClinVar variation 4984736 (VCV004984736.1).

ClinVar aggregate classification (germline): Likely benign (1 of 4 stars; one submission).

Conditions:
BBS2-related disorder. Also called: BBS2-related condition; BBS2-related disorders. Identifiers: MedGen CN239228.

gnomAD v4.1: 9 of 1,614,066 alleles (0.00056%); highest among the groups gnomAD compares: Non-Finnish European, 0.00076%; no homozygotes.

Submission:

PreventionGenetics, part of Exact Sciences
Classification: Likely benign for BBS2-related condition. Last evaluated: 2025-03-31. Review status: criteria provided, single submitter. Criteria: ACMG Guidelines, 2015. Collection method: clinical testing. Allele origin: germline.
Comment: This variant is classified as likely benign based on ACMG/AMP sequence variant interpretation guidelines (Richards et al. 2015 PMID: 25741868, with internal and published modifications).